The following is an entry in ClinVar:

NM_147127.5(EVC2):c.551G>A (p.Arg184His)

Gene: EVC2 (EvC ciliary complex subunit 2; minus strand). Cytogenetic location: 4p16.2.
Variant type: single nucleotide variant.
Coding change: c.551G>A on transcript NM_147127.5 (MANE Select); coding-DNA position 551, G replaced by A.
Protein change: p.Arg184His; replaces arginine 184 with histidine.
Molecular consequence: missense variant.
Genome position (GRCh38, 1-based): chr4:5,689,312, C>T on the plus strand (G>A on the coding strand, the complement: EVC2 is on the minus strand). VCF-style: chr4-5689312-C-T. GRCh37 (hg19) VCF-style: chr4-5691039-C-T.
Other names: c.551G>A (NM_147127.4); c.311G>A, p.Arg104His (NM_001166136.2); short protein forms R104H, R184H.
Identifiers: ClinVar variation 1373687 (VCV001373687.17), dbSNP rs771841841, ClinGen allele CA2835403.

ClinVar aggregate classification (germline): Conflicting classifications of pathogenicity. Review status: criteria provided, conflicting classifications (1 of 4 stars). 3 submissions from 3 submitters: Uncertain significance (1); Likely benign (2). Last evaluated 2025-06-12.

Conditions:
Inborn genetic diseases. Identifiers: MedGen C0950123, MeSH D030342.
Ellis-van Creveld syndrome (EVC). Also called: Chondroectodermal dysplasia; MESOECTODERMAL DYSPLASIA. Identifiers: Orphanet 289, MedGen C0013903, MONDO:0009162, OMIM 225500.
Curry-Hall syndrome (WAD). Also called: WEYERS ACRODENTAL DYSOSTOSIS. Identifiers: Orphanet 952, MedGen C0457013, MONDO:0008673, OMIM 193530.

Allele frequency attached by ClinVar (database versions not stated): TOPMed below 0.00001; ExAC 0.00001; gnomAD exomes 0.00001.
gnomAD v4.1: 18 of 1,614,086 alleles (0.0011%); highest among the groups gnomAD compares: Non-Finnish European, 0.0014%; no homozygotes.

Submissions (3):

Ambry Genetics
Classification: Likely benign for Inborn genetic diseases. Last evaluated: 2025-06-12. Review status: criteria provided, single submitter. Criteria: Ambry Variant Classification Scheme 2023. Collection method: clinical testing. Allele origin: germline.

CeGaT Center for Human Genetics Tuebingen
Classification: Likely benign. Last evaluated: 2025-01-01. Review status: criteria provided, single submitter. Criteria: CeGaT Center For Human Genetics Tuebingen Variant Classification Criteria Version 2. Collection method: clinical testing. Allele origin: germline. Affected: yes. Observed: 1 variant allele.
Comment: EVC2: BP4

Labcorp Genetics (formerly Invitae), Labcorp
Classification: Uncertain significance for Curry-Hall syndrome; Ellis-van Creveld syndrome. Last evaluated: 2022-09-29. Review status: criteria provided, single submitter. Criteria: Invitae Variant Classification Sherloc (09022015). Collection method: clinical testing. Allele origin: germline.
Comment: This sequence change replaces arginine, which is basic and polar, with histidine, which is basic and polar, at codon 184 of the EVC2 protein (p.Arg184His). This variant is present in population databases (rs771841841, gnomAD 0.002%). This variant has not been reported in the literature in individuals affected with EVC2-related conditions. ClinVar contains an entry for this variant (Variation ID: 1373687). Algorithms developed to predict the effect of missense changes on protein structure and function output the following: SIFT: "Tolerated"; PolyPhen-2: "Benign"; Align-GVGD: "Class C0". The histidine amino acid residue is found in multiple mammalian species, which suggests that this missense change does not adversely affect protein function. In summary, the available evidence is currently insufficient to determine the role of this variant in disease. Therefore, it has been classified as a Variant of Uncertain Significance.